The following is an entry in ClinVar:

ClinVar aggregate classification (germline): Uncertain significance. Review status: criteria provided, multiple submitters, no conflicts (2 of 4 stars). 2 submissions from 2 submitters: Uncertain significance (2). Last evaluated 2025-08-11.

Conditions:
Au-Kline syndrome. Also called: Neurodevelopmental disorder-craniofacial dysmorphism-cardiac defect-hip dysplasia syndrome due to a point mutation; Okamoto syndrome. Identifiers: Orphanet 2729, Orphanet 453499, Orphanet 453504, MedGen C4225274, MONDO:0014700, OMIM 616580.
X-linked distal spinal muscular atrophy type 3. Also called: ATP7A-Related Distal Motor Neuropathy; NEURONOPATHY, DISTAL HEREDITARY MOTOR, X-LINKED; NEUROPATHY, DISTAL HEREDITARY MOTOR, X-LINKED; SPINAL MUSCULAR ATROPHY, DISTAL, X-LINKED RECESSIVE. Identifiers: Orphanet 139557, MedGen C1845359, MONDO:0010338, OMIM 300489.
Menkes kinky-hair syndrome (MNK). Also called: Classic Menkes Disease; Copper transport disease; Menkes Disease. Identifiers: Orphanet 565, MedGen C0022716, MONDO:0010651, OMIM 309400.
Cutis laxa, X-linked (OHS). Also called: EDS IX; Occipital horn syndrome. Identifiers: Orphanet 198, MedGen C0268353, MONDO:0010572, OMIM 304150.

Allele frequency attached by ClinVar (database versions not stated): gnomAD exomes below 0.00001 and 0.00001; gnomAD 0.00002.
gnomAD v4.1: 4 of 1,209,620 alleles (0.00033%); highest among the groups gnomAD compares: Non-Finnish European, 0.00045%; no homozygotes.

Submissions (2):

Labcorp Genetics (formerly Invitae), Labcorp
Classification: Uncertain significance for X-linked distal spinal muscular atrophy type 3; Cutis laxa, X-linked; Menkes kinky-hair syndrome. Last evaluated: 2025-08-11. Review status: criteria provided, single submitter. Criteria: Invitae Variant Classification Sherloc (09022015). Collection method: clinical testing. Allele origin: germline.
Comment: This sequence change replaces cysteine, which is neutral and slightly polar, with serine, which is neutral and polar, at codon 391 of the ATP7A protein (p.Cys391Ser). This variant is present in population databases (no rsID available, gnomAD 0.003%), including at least one homozygous and/or hemizygous individual. This variant has not been reported in the literature in individuals affected with ATP7A-related conditions. ClinVar contains an entry for this variant (Variation ID: 1437055). Invitae Evidence Modeling of protein sequence and biophysical properties (such as structural, functional, and spatial information, amino acid conservation, physicochemical variation, residue mobility, and thermodynamic stability) indicates that this missense variant is expected to disrupt ATP7A protein function with a positive predictive value of 80%. In summary, the available evidence is currently insufficient to determine the role of this variant in disease. Therefore, it has been classified as a Variant of Uncertain Significance.

Institute for Medical Genetics and Human Genetics, Charité - Universitätsmedizin Berlin
Classification: Uncertain significance for Au-Kline syndrome. Review status: criteria provided, single submitter. Criteria: ACMG Guidelines, 2015. Collection method: not provided. Allele origin: germline. Inheritance: Autosomal dominant inheritance. Affected: yes.

NM_000052.7(ATP7A):c.1172G>C (p.Cys391Ser)

Gene: ATP7A (ATPase copper transporting alpha; plus strand). Cytogenetic location: Xq21.1.
Variant type: single nucleotide variant.
Coding change: c.1172G>C on transcript NM_000052.7 (MANE Select); coding-DNA position 1172, G replaced by C.
Protein change: p.Cys391Ser; replaces cysteine 391 with serine.
Molecular consequence: missense variant.
Genome position (GRCh38, 1-based): chrX:77,989,794, G>C. VCF-style: chrX-77989794-G-C. GRCh37 (hg19) VCF-style: chrX-77245290-G-C.
Other names: c.1172G>C, p.Cys391Ser (NM_001282224.2); short protein forms C391S.
Identifiers: ClinVar variation 1437055 (VCV001437055.7), dbSNP rs1557231883, ClinGen allele CA413601973.